The following is an entry in ClinVar:

ClinVar aggregate classification (germline): Uncertain significance. Review status: criteria provided, multiple submitters, no conflicts (2 of 4 stars). 3 submissions from 3 submitters: Uncertain significance (3). Last evaluated 2024-03-30.

Conditions:
Polycystic kidney disease, adult type (PKD1). Also called: Polycystic Kidney Disease 1, Autosomal Dominant; Polycystic kidney disease 1; Polycystic kidney disease 1, severe; POLYCYSTIC KIDNEY DISEASE 1 WITH OR WITHOUT POLYCYSTIC LIVER DISEASE; Polycystic Kidney, Autosomal Dominant; POLYCYSTIC KIDNEY DISEASE, ADULT, TYPE I. Identifiers: MedGen C3149841, MONDO:0008263, OMIM 173900.

gnomAD v4.1: 16 of 1,610,852 alleles (0.00099%); highest among the groups gnomAD compares: East Asian, 0.0022%; 1 homozygote.

Submissions (3):

Fulgent Genetics
Classification: Uncertain significance for Polycystic kidney disease, adult type. Last evaluated: 2024-03-30. Review status: criteria provided, single submitter. Criteria: ACMG Guidelines, 2015. Collection method: clinical testing. Allele origin: germline.

GeneDx
Classification: Uncertain significance. Last evaluated: 2019-03-07. Review status: criteria provided, single submitter. Criteria: GeneDx Variant Classification Process June 2021. Collection method: clinical testing. Allele origin: germline. Affected: yes.
Comment: Not observed in large population cohorts (Lek et al., 2016); In silico analysis, which includes protein predictors and evolutionary conservation, supports that this variant does not alter protein structure/function; This variant is associated with the following publications: (PMID: 25646624)

ARUP Laboratories, Molecular Genetics and Genomics, ARUP Laboratories
Classification: Uncertain significance. Last evaluated: 2018-02-22. Review status: criteria provided, single submitter. Criteria: ARUP Molecular Germline Variant Investigation Process. Collection method: clinical testing. Allele origin: germline.
Comment: The PKD1 c.3667G>A; p.Val1223Met variant has been reported in an individual affected with autosomal dominant polycystic kidney disease (Eisenberger 2015). This variant is observed in the general population at a low overall frequency of 0.0009% (2/234864 alleles) in the Genome Aggregation Database, but is considered a low confidence variant in the database. The valine at codon 1223 is moderately conserved and computational algorithms (SIFT, PolyPhen2) predict that this variant is deleterious. However, due to the lack of functional data regarding this variant, its clinical significance cannot be determined with certainty. References: Eisenberger T et al. An Efficient and Comprehensive Strategy for Genetic Diagnostics of Polycystic Kidney Disease. PLoS One. 2015; 10(2): e0116680.

NM_001009944.3(PKD1):c.3667G>A (p.Val1223Met)

Gene: PKD1 (polycystin 1, transient receptor potential channel interacting; minus strand). Cytogenetic location: 16p13.3.
Variant type: single nucleotide variant.
Coding change: c.3667G>A on transcript NM_001009944.3 (MANE Select); coding-DNA position 3667, G replaced by A.
Protein change: p.Val1223Met; replaces valine 1223 with methionine.
Molecular consequence: missense variant.
Genome position (GRCh38, 1-based): chr16:2,111,500, C>T on the plus strand (G>A on the coding strand, the complement: PKD1 is on the minus strand). VCF-style: chr16-2111500-C-T. GRCh37 (hg19) VCF-style: chr16-2161501-C-T.
Other names: c.3667G>A, p.Val1223Met (NM_000296.4); short protein forms V1223M.
Identifiers: ClinVar variation 618818 (VCV000618818.10), dbSNP rs749092859, ClinGen allele CA394382648.
Genomic context (GRCh38, chr16:2,111,500, plus strand): 5'-ACGTGATGTTGTCGCCCGTCTGCACCGCGGCGCTGACCACCACGGGGGCGCCCTGCTCCA[C>T]GGCCAGGCTCATGTCCACGCTGAGTCCGCGGAGCTCCTCAAAGACGCGCACATCCGCCTG-3'
Protein context (NP_001009944.3, residues 1213-1233): RGLSVDMSLA[Val1223Met]EQGAPVVVSA